The following is an entry in ClinVar:

NM_003630.3(PEX3):c.878A>G (p.Asp293Gly)

Gene: PEX3 (peroxisomal biogenesis factor 3; plus strand). Cytogenetic location: 6q24.2.
Variant type: single nucleotide variant.
Coding change: c.878A>G on transcript NM_003630.3 (MANE Select); coding-DNA position 878, A replaced by G.
Protein change: p.Asp293Gly; replaces aspartic acid 293 with glycine.
Molecular consequence: missense variant.
Genome position (GRCh38, 1-based): chr6:143,479,135, A>G. VCF-style: chr6-143479135-A-G. GRCh37 (hg19) VCF-style: chr6-143800272-A-G.
Other names: short protein forms D293G.
Identifiers: ClinVar variation 1472523 (VCV001472523.6), dbSNP rs2128747469, ClinGen allele CA365886120.

ClinVar aggregate classification (germline): Uncertain significance (1 of 4 stars; one submission).

Submission:

Labcorp Genetics (formerly Invitae), Labcorp
Classification: Uncertain significance. Last evaluated: 2021-09-01. Review status: criteria provided, single submitter. Criteria: Invitae Variant Classification Sherloc (09022015). Collection method: clinical testing. Allele origin: germline.
Comment: Algorithms developed to predict the effect of missense changes on protein structure and function are either unavailable or do not agree on the potential impact of this missense change (SIFT: "Tolerated"; PolyPhen-2: "Possibly Damaging"; Align-GVGD: "Class C0"). In summary, the available evidence is currently insufficient to determine the role of this variant in disease. Therefore, it has been classified as a Variant of Uncertain Significance. This variant has not been reported in the literature in individuals affected with PEX3-related conditions. This variant is not present in population databases (ExAC no frequency). This sequence change replaces aspartic acid with glycine at codon 293 of the PEX3 protein (p.Asp293Gly). The aspartic acid residue is highly conserved and there is a moderate physicochemical difference between aspartic acid and glycine.